The following is an entry in ClinVar:

NM_001283009.2(RTEL1):c.1331C>A (p.Thr444Asn)

Genes: RTEL1 (regulator of telomere elongation helicase 1; plus strand), RTEL1-TNFRSF6B (RTEL1-TNFRSF6B readthrough (NMD candidate); plus strand). Cytogenetic location: 20q13.33.
Variant type: single nucleotide variant.
Coding change: c.1331C>A on transcript NM_001283009.2 (MANE Select); coding-DNA position 1331, C replaced by A.
Protein change: p.Thr444Asn; replaces threonine 444 with asparagine.
Molecular consequence: missense variant. On other transcripts: non-coding transcript variant (1).
Genome position (GRCh38, 1-based): chr20:63,685,855, C>A. VCF-style: chr20-63685855-C-A. GRCh37 (hg19) VCF-style: chr20-62317208-C-A.
Other names: c.662C>A, p.Thr221Asn (NM_001283010.1); c.1331C>A, p.Thr444Asn (NM_016434.4); c.1403C>A, p.Thr468Asn (NM_032957.5); short protein forms T468N, T221N, T444N.
Identifiers: ClinVar variation 2930278 (VCV002930278.3), dbSNP rs763825991, ClinGen allele CA409676093.
Genomic context (GRCh38, chr20:63,685,855, plus strand): 5'-ACATCCATCCTGATGCTGGTCACCGGAGGACGGCTCAGCGGTCTGATGCCTGGAGCACCA[C>A]TGCAGCCAGAAAGCGAGGTACAGACCTGGGCCCACACGCTCCCCGCCCGCCCGGGTGCAG-3'
Protein context (NP_001269938.1, residues 434-454): TAQRSDAWST[Thr444Asn]AARKRGKVLS

ClinVar aggregate classification (germline): Uncertain significance (1 of 4 stars; one submission).

Conditions:
Dyskeratosis congenita, autosomal recessive 5 (DKCB5). Identifiers: MedGen C3554656, MONDO:0014076, OMIM 615190.
Pulmonary fibrosis and/or bone marrow failure, Telomere-related, 3. Also called: PULMONARY FIBROSIS AND/OR BONE MARROW FAILURE SYNDROME, TELOMERE-RELATED, 3. Identifiers: Orphanet 2032, MedGen C4225346, MONDO:0014613, OMIM 616373.

Submission:

Labcorp Genetics (formerly Invitae), Labcorp
Classification: Uncertain significance for Dyskeratosis congenita, autosomal recessive 5; Pulmonary fibrosis and/or bone marrow failure, Telomere-related, 3. Last evaluated: 2023-04-12. Review status: criteria provided, single submitter. Criteria: Invitae Variant Classification Sherloc (09022015). Collection method: clinical testing. Allele origin: germline.
Comment: In summary, the available evidence is currently insufficient to determine the role of this variant in disease. Therefore, it has been classified as a Variant of Uncertain Significance. An algorithm developed to predict the effect of missense changes on protein structure and function (PolyPhen-2) suggests that this variant is likely to be tolerated. This variant has not been reported in the literature in individuals affected with RTEL1-related conditions. This variant is not present in population databases (gnomAD no frequency). This sequence change replaces threonine, which is neutral and polar, with asparagine, which is neutral and polar, at codon 444 of the RTEL1 protein (p.Thr444Asn).